The following is an entry in ClinVar:

ClinVar aggregate classification (germline): Conflicting classifications of pathogenicity. Review status: criteria provided, conflicting classifications (1 of 4 stars). 27 submissions from 24 submitters: Uncertain significance (5); Benign (3); Likely benign (15). 4 of the submissions do not count toward it. Last evaluated 2026-02-03.

Conditions:
Appendicitis. Identifiers: MedGen C0003615, MeSH D001064, MONDO:0005649, HP:6000143.
Multiple endocrine neoplasia. Identifiers: Orphanet 276161, MedGen C0027662, MONDO:0017169.
Elevated basal serum calcitonin.
Hereditary cancer-predisposing syndrome. Also called: Neoplastic Syndromes, Hereditary; Tumor predisposition; Hereditary neoplastic syndrome; Hereditary Cancer Syndrome. Identifiers: Orphanet 140162, MedGen C0027672, MeSH D009386, MONDO:0015356.
Multiple endocrine neoplasia, type 2 (MEN2). Identifiers: Orphanet 653, MedGen C4048306, MONDO:0019003. Disease mechanism: gain of function.
Hirschsprung disease, susceptibility to, 1 (HSCR1). Also called: RET-Related Hirschsprung Disease. Identifiers: Orphanet 388, MedGen C3888239, MONDO:0007723, OMIM 142623.
Multiple endocrine neoplasia type 2A. Also called: MULTIPLE ENDOCRINE NEOPLASIA, TYPE IIA; PTC SYNDROME; SIPPLE SYNDROME; MEN 2A; MEN-2A syndrome; Pheochromocytoma and amyloid producing medullary thyroid carcinoma. Identifiers: Orphanet 247698, Orphanet 653, MedGen C0025268, MeSH D018813, MONDO:0008234, OMIM 171400.
Pheochromocytoma. Also called: MAX-Related Hereditary Paraganglioma-Pheochromocytoma Syndrome. Identifiers: Orphanet 29072, MedGen C0031511, MONDO:0008233, OMIM 171300, HP:0002666.
Renal hypodysplasia/aplasia 1 (RHDA1). Also called: RENAL APLASIA; HEREDITARY RENAL APLASIA. Identifiers: Orphanet 411709, MedGen C1619700, MONDO:0024519, OMIM 191830.

Allele frequency attached by ClinVar (database versions not stated): ExAC 0.00032; gnomAD 0.00039; 1000 Genomes Project 30x 0.00047; gnomAD exomes 0.00045 and 0.00032; ESP Exome Variant Server 0.00054; TOPMed 0.00034; 1000 Genomes Project 0.00040.
gnomAD v4.1: 717 of 1,610,902 alleles (0.045%); highest among the groups gnomAD compares: Non-Finnish European, 0.056%; no homozygotes.

Submissions 1 to 15 of 27:

Labcorp Genetics (formerly Invitae), Labcorp
Classification: Likely benign for Multiple endocrine neoplasia, type 2. Last evaluated: 2026-02-03. Review status: criteria provided, single submitter. Criteria: Invitae Variant Classification Sherloc (09022015). Collection method: clinical testing. Allele origin: germline.

CeGaT Center for Human Genetics Tuebingen
Classification: Likely benign. Last evaluated: 2025-10-01. Review status: criteria provided, single submitter. Criteria: CeGaT Center For Human Genetics Tuebingen Variant Classification Criteria Version 2. Collection method: clinical testing. Allele origin: germline. Affected: yes. Observed: 8 variant alleles.
Comment: RET: BS2

Blueprint Genetics
Classification: Likely benign. Last evaluated: 2024-11-06. Review status: criteria provided, single submitter. Criteria: ACMG Guidelines, 2015. Collection method: clinical testing. Allele origin: germline.

All of Us Research Program, National Institutes of Health
Classification: Likely benign for Multiple endocrine neoplasia, type 2. Last evaluated: 2024-09-23. Review status: criteria provided, single submitter. Criteria: ACMG Guidelines, 2015. Collection method: clinical testing. Allele origin: germline. Inheritance: Autosomal dominant inheritance. Observed: 176 variant alleles, 176 heterozygotes.
Comment: This study involves interpretation of variants in research participants for the purpose of population health screening. Participant phenotype was not available at the time of variant classification. Additional details can be found in publication PMID: 35346344, PMCID: PMC8962531

Mendelics
Classification: Benign for Multiple endocrine neoplasia type 2A. Last evaluated: 2023-08-22. Review status: criteria provided, single submitter. Criteria: Mendelics Assertion Criteria 2019. Collection method: clinical testing. Allele origin: germline.

Myriad Genetics, Inc.
Classification: Likely benign for Multiple endocrine neoplasia type 2A. Last evaluated: 2023-04-18. Review status: criteria provided, single submitter. Criteria: Myriad Autosomal Dominant, Autosomal Recessive and X-Linked Classification Criteria (2023). Collection method: clinical testing. Allele origin: unknown.
Comment: This variant is considered likely benign. This variant has been observed at a population frequency that is significantly greater than expected given the associated disease prevalence and penetrance.

Color Diagnostics, LLC DBA Color Health
Classification: Likely benign for Multiple endocrine neoplasia, type 2. Last evaluated: 2022-11-18. Review status: criteria provided, single submitter. Criteria: ACMG Guidelines, 2015. Collection method: clinical testing. Allele origin: germline.

Mayo Clinic Laboratories, Mayo Clinic
Classification: Uncertain significance. Last evaluated: 2022-08-31. Review status: criteria provided, single submitter. Criteria: ACMG Guidelines, 2015. Collection method: clinical testing. Allele origin: germline. Observed: 9 variant alleles.
Comment: BS1, BP2, PP3

Genetic Services Laboratory, University of Chicago
Classification: Likely benign. Last evaluated: 2022-01-10. Review status: criteria provided, single submitter. Criteria: ACMG Guidelines, 2015. Collection method: clinical testing. Allele origin: germline. Affected: no.

Institute for Clinical Genetics, University Hospital TU Dresden, University Hospital TU Dresden
Classification: Uncertain significance. Last evaluated: 2021-11-03. Review status: criteria provided, single submitter. Criteria: ACMG Guidelines, 2015. Collection method: clinical testing. Allele origin: germline.

Women's Health and Genetics/Laboratory Corporation of America, LabCorp
Classification: Likely benign. Last evaluated: 2021-08-23. Review status: criteria provided, single submitter. Criteria: LabCorp Variant Classification Summary - May 2015. Collection method: clinical testing. Allele origin: germline.
Comment: Variant summary: RET c.1946C>T (p.Ser649Leu) results in a non-conservative amino acid change in the encoded protein sequence. Five of five in-silico tools predict a damaging effect of the variant on protein function. The variant allele was found at a frequency of 0.00034 in 251656 control chromosomes. The observed variant frequency is approximately 61 fold of the estimated maximal expected allele frequency for a pathogenic variant in RET causing Multiple Endocrine Neoplasia Type 2/Familial Medullary Thyroid Carcinoma phenotype (5.6e-06), strongly suggesting that the variant is benign. c.1946C>T has been reported in the literature in individuals affected with sporadic/familial Medullary Thyroid Carcinoma/Hirschsprung's disease and in some instances in unaffected family members when tested (example, Wiench_2001, Vierhapper_2004, Colombo-Benkmann_2008, deGroot_2006, Vaclavikova_2009, Waldman_2009, Erlic_2010, Innella_2020). These data do not allow any conclusion about variant significance. Multiple co-occurrences in trans with other pathogenic variant(s) have been reported in the citations ascertained above (example, RET c.1902C>G, p.Cys634Trp; RET c.1901G>A, p.Cys634Tyr; RET c.2410G>A, p.Val804Met; RET c.2410G>C, p.Val804Leu), providing supporting evidence for a benign role. At least one publication reports experimental evidence evaluating an impact on protein function (Colombo-Benkmann_2008). The most pronounced variant effect results in a mild transforming potential and constitutive TK activity, and stimulation of growth of NIH3T3 cells. This resulted in its classification as a level 1 RET variant, namely low penetrance of MTC, a relatively low aggressive potential of the disease (level 1), and rare further endocrinopathies. In summary, this was historically considered a "mild" mutation in MTC since penetrance seemed quite low, disease phenotype was milder than in MEN2/2A, and prognosis was good in patients with this variant; however, the interpretation changed when Erlic_2010 reported data strongly suggesting it is NOT pathogenic: 1) variant was incidentally found in the healthy sister of a p.C634Y MTC/PHEO patient during family testing for p.C634Y; 2) variant was found at significant frequencies in European and American normals. The non-pathogenicity of this variant is supported by the fact that in multiple reported MTC cases, it has co-occurred with true pathogenic variants, with reports that the two mutations together did not aggravate disease. Multiple clinical diagnostic laboratories have submitted clinical-significance assessments for this variant to ClinVar after 2014 without evidence for independent evaluation with conflicting assessments but a majority concordance towards a benign/likely benign outcome (n=8) (VUS, n=6). Based on the evidence outlined above, the variant was classified as likely benign.

Sema4
Classification: Likely benign for Hereditary cancer-predisposing syndrome. Last evaluated: 2021-06-21. Review status: criteria provided, single submitter. Criteria: Sema4 Curation Guidelines. Collection method: curation. Allele origin: germline.

Ambry Genetics
Classification: Likely benign for Hereditary cancer-predisposing syndrome. Last evaluated: 2019-04-19. Review status: criteria provided, single submitter. Criteria: Ambry Variant Classification Scheme 2023. Collection method: clinical testing. Allele origin: germline.

GeneKor MSA
Classification: Uncertain significance for Hereditary cancer-predisposing syndrome. Last evaluated: 2018-08-01. Review status: criteria provided, single submitter. Criteria: ACMG Guidelines, 2015. Collection method: clinical testing. Allele origin: germline. Affected: yes.

Illumina Laboratory Services, Illumina
Classification: Likely benign for Hirschsprung disease, susceptibility to, 1. Last evaluated: 2018-05-15. Review status: criteria provided, single submitter. Criteria: ICSL Variant Classification Criteria 13 December 2019. Collection method: clinical testing. Allele origin: germline.
Comment: This variant was observed as part of a predisposition screen in an ostensibly healthy population. A literature search was performed for the gene, cDNA change, and amino acid change (where applicable). Publications were found based on this search. The evidence from the literature, in combination with allele frequency data from public databases where available, was sufficient to determine this variant is unlikely to cause disease. Therefore, this variant is classified as likely benign.

NM_020975.6(RET):c.1946C>T (p.Ser649Leu)

Gene: RET (ret proto-oncogene; plus strand). Cytogenetic location: 10q11.21.
Variant type: single nucleotide variant.
Coding change: c.1946C>T on transcript NM_020975.6 (MANE Select); coding-DNA position 1946, C replaced by T.
Protein change: p.Ser649Leu; replaces serine 649 with leucine.
Molecular consequence: missense variant.
Genome position (GRCh38, 1-based): chr10:43,114,546, C>T. VCF-style: chr10-43114546-C-T. GRCh37 (hg19) VCF-style: chr10-43609994-C-T.
Other names: c.1946C>T, p.Ser649Leu (NM_000323.2, NM_001406743.1, NM_001406744.1 and 4 more transcripts); c.1184C>T, p.Ser395Leu (NM_001355216.2); c.1817C>T, p.Ser606Leu (NM_001406761.1, NM_001406762.1, NM_001406764.1); c.1658C>T, p.Ser553Leu (NM_001406766.1, NM_001406767.1, NM_001406770.1); c.1550C>T, p.Ser517Leu (NM_001406769.1, NM_001406772.1); c.1508C>T, p.Ser503Leu (NM_001406771.1, NM_001406773.1); c.920C>T, p.Ser307Leu (NM_001406783.1, NM_001406786.1); c.956C>T, p.Ser319Leu (NM_001406784.1); and 7 more; short protein forms S395L, S503L, S254L, S407L, S553L, S166L, S214L, S319L.
Identifiers: ClinVar variation 24928 (VCV000024928.87), dbSNP rs148935214, ClinGen allele CA008470.